The following is an entry in ClinVar:

ClinVar aggregate classification (germline): Likely benign (1 of 4 stars; one submission).

Submission:

CeGaT Center for Human Genetics Tuebingen
Classification: Likely benign. Last evaluated: 2023-04-01. Review status: criteria provided, single submitter. Criteria: CeGaT Center For Human Genetics Tuebingen Variant Classification Criteria Version 2. Collection method: clinical testing. Allele origin: germline. Affected: yes. Observed: 3 variant alleles.
Comment: PRKN: BS2

NM_004562.3(PRKN):c.534+30930_534+30933del

Gene: PRKN (parkin RBR E3 ubiquitin protein ligase; minus strand). Cytogenetic location: 6q26.
Variant type: Deletion.
Coding change: c.534+30930_534+30933del on transcript NM_004562.3 (MANE Select); bases 30930 to 30933 of the intron after coding-DNA position 534, 4 bases deleted (TTAG; older notation c.534+30930_534+30933delTTAG).
Molecular consequence: intron variant.
Genome position (GRCh38, 1-based): chr6:162,170,198-162,170,201, CTAA deleted on the plus strand (TTAG on the coding strand, the reverse complement: PRKN is on the minus strand); deleting any 4 consecutive bases within chr6:162,170,198-162,170,203 gives the same sequence; the c. name uses the placement nearest the transcript's 3' end. VCF-style (leftmost placement, unchanged base first): chr6-162170197-CCTAA-C. GRCh37 (hg19) VCF-style: chr6-162591229-CCTAA-C.
Other names: c.172-196784_172-196781del (NM_013988.3); c.534+30930_534+30933del (NM_013987.3).
Identifiers: ClinVar variation 1695175 (VCV001695175.31), dbSNP rs553344388, ClinGen allele CA151041514.